The following is an entry in ClinVar:

NM_001510.4(GRID2):c.2490C>A (p.Ser830Arg)

Gene: GRID2 (glutamate ionotropic receptor delta type subunit 2; plus strand). Cytogenetic location: 4q22.2.
Variant type: single nucleotide variant.
Coding change: c.2490C>A on transcript NM_001510.4 (MANE Select); coding-DNA position 2490, C replaced by A.
Protein change: p.Ser830Arg; replaces serine 830 with arginine.
Molecular consequence: missense variant.
Genome position (GRCh38, 1-based): chr4:93,769,339, C>A. VCF-style: chr4-93769339-C-A. GRCh37 (hg19) VCF-style: chr4-94690490-C-A.
Other names: c.2205C>A, p.Ser735Arg (NM_001286838.1); short protein forms S735R, S830R.
Identifiers: ClinVar variation 3360924 (VCV003360924.1).

ClinVar aggregate classification (germline): Uncertain significance (1 of 4 stars; one submission).

gnomAD v4.1: 237 of 1,613,972 alleles (0.015%); highest among the groups gnomAD compares: Non-Finnish European, 0.017%; no homozygotes.

Submission:

GeneDx
Classification: Uncertain significance. Last evaluated: 2023-07-07. Review status: criteria provided, single submitter. Criteria: GeneDx Variant Classification Process June 2021. Collection method: clinical testing. Allele origin: germline. Affected: yes.
Comment: In silico analysis supports that this missense variant has a deleterious effect on protein structure/function; Has not been previously published as pathogenic or benign to our knowledge